The following is an entry in ClinVar:

NM_001267550.2(TTN):c.97006_97021del (p.Pro32336fs)

Genes: TTN (titin; minus strand), TTN-AS1 (TTN antisense RNA 1; plus strand). Cytogenetic location: 2q31.2.
Variant type: Deletion.
Coding change: c.97006_97021del on transcript NM_001267550.2 (MANE Select); coding-DNA positions 97006 to 97021, 16 bases deleted (CCTGCTGCTTCCTGGT).
Protein change: p.Pro32336fs; shifts the reading frame from proline 32336.
Molecular consequence: frameshift variant.
Genome position (GRCh38, 1-based): chr2:178,542,833-178,542,848, ACCAGGAAGCAGCAGG deleted on the plus strand (CCTGCTGCTTCCTGGT on the coding strand, the reverse complement: TTN is on the minus strand); deleting any 16 consecutive bases within chr2:178,542,833-178,542,849 gives the same sequence; the c. name uses the placement nearest the transcript's 3' end. VCF-style (leftmost placement, unchanged base first): chr2-178542832-AACCAGGAAGCAGCAGG-A. GRCh37 (hg19) VCF-style: chr2-179407559-AACCAGGAAGCAGCAGG-A.
Other names: c.92083_92098del, p.Pro30695fs (NM_001256850.1); c.69811_69826del, p.Pro23271fs (NM_003319.4); c.89302_89317del, p.Pro29768fs (NM_133378.4); c.70186_70201del, p.Pro23396fs (NM_133432.3); c.70387_70402del, p.Pro23463fs (NM_133437.4); short protein forms P23271fs, P23396fs, P23463fs, P32336fs, P29768fs, P30695fs.
Identifiers: ClinVar variation 1506153 (VCV001506153.8), dbSNP rs2154142958, ClinGen allele CA2573134080.

ClinVar aggregate classification (germline): Likely pathogenic (1 of 4 stars; one submission).

Conditions:
Dilated cardiomyopathy 1G (CMD1G). Identifiers: Orphanet 154, MedGen C1858763, MONDO:0011400, OMIM 604145.
Autosomal recessive limb-girdle muscular dystrophy type 2J (LGMDR10). Also called: MUSCULAR DYSTROPHY, LIMB-GIRDLE, AUTOSOMAL RECESSIVE 10; Limb-girdle muscular dystrophy, type 2J. Identifiers: Orphanet 140922, MedGen C1837342, MONDO:0012127, OMIM 608807.

Submission:

Labcorp Genetics (formerly Invitae), Labcorp
Classification: Likely pathogenic for Dilated cardiomyopathy 1G; Autosomal recessive limb-girdle muscular dystrophy type 2J. Last evaluated: 2025-09-05. Review status: criteria provided, single submitter. Criteria: Invitae Variant Classification Sherloc (09022015). Collection method: clinical testing. Allele origin: germline.
Comment: This sequence change creates a premature translational stop signal (p.Pro32336Serfs*7) in the TTN gene. While this is not anticipated to result in nonsense mediated decay, it is expected to create a truncated TTN protein. This variant is not present in population databases (gnomAD no frequency). This variant has not been reported in the literature in individuals affected with TTN-related conditions. ClinVar contains an entry for this variant (Variation ID: 1506153). This variant is located in the A band of TTN (PMID: 25589632). Truncating variants in this region are significantly overrepresented in patients affected with dilated cardiomyopathy (PMID: 25589632). Truncating variants in this region have also been reported in individuals affected with autosomal recessive centronuclear myopathy (PMID: 23975875). In summary, the currently available evidence indicates that the variant is pathogenic, but additional data are needed to prove that conclusively. Therefore, this variant has been classified as Likely Pathogenic.

Literature cited by the submitters: PubMed 25589632; PubMed 23975875.